The following is an entry in ClinVar:

ClinVar aggregate classification (germline): Benign/Likely benign. Review status: criteria provided, multiple submitters, no conflicts (2 of 4 stars). 17 submissions from 16 submitters: Benign (12); Likely benign (2). 3 of the submissions do not count toward it. Last evaluated 2026-02-04.

Conditions:
Fibromuscular dysplasia, multifocal. Identifiers: MedGen C5543412, MONDO:0859151, OMIM 619329.
Ehlers-Danlos syndrome, classic type, 1 (EDSCL1). Also called: Ehlers-Danlos syndrome, type 1; EHLERS-DANLOS SYNDROME, GRAVIS TYPE; EHLERS-DANLOS SYNDROME, SEVERE CLASSIC TYPE; Ehlers-Danlos Syndrome, Classic Type, COL5A1-Related; EDS I. Identifiers: MedGen C0268335, MONDO:0019567, OMIM 130000.
Ehlers-Danlos syndrome, classic type (cEDS). Identifiers: Orphanet 287, MedGen C4225429, MONDO:0007522.
Ehlers-Danlos syndrome (EDS). Identifiers: Orphanet 98249, MedGen C0013720, MONDO:0020066.
Familial thoracic aortic aneurysm and aortic dissection (TAAD). Also called: Thoracic aortic aneurysms and dissections. Identifiers: Orphanet 91387, MedGen C4707243, MONDO:0019625.

Allele frequency attached by ClinVar (database versions not stated): ESP Exome Variant Server 0.00138; gnomAD 0.00346 and 0.00506; gnomAD exomes 0.00465 and 0.01203; TOPMed 0.00530; ExAC 0.01207; 1000 Genomes Project 30x 0.02452; 1000 Genomes Project 0.02696.
gnomAD v4.1: 7,873 of 1,613,724 alleles (0.49%); highest among the groups gnomAD compares: East Asian, 8.1%; 211 homozygotes.

Submissions (17):

Labcorp Genetics (formerly Invitae), Labcorp
Classification: Benign for Ehlers-Danlos syndrome, classic type, 1. Last evaluated: 2026-02-04. Review status: criteria provided, single submitter. Criteria: Invitae Variant Classification Sherloc (09022015). Collection method: clinical testing. Allele origin: germline.

Molecular Diagnostic Laboratory for Inherited Cardiovascular Disease, Montreal Heart Institute
Classification: Benign. Last evaluated: 2025-04-09. Review status: criteria provided, single submitter. Criteria: ACMG Guidelines, 2015. Collection method: clinical testing. Allele origin: germline. Affected: no.
Comment: BA1

ARUP Laboratories, Molecular Genetics and Genomics, ARUP Laboratories
Classification: Benign. Last evaluated: 2025-03-27. Review status: criteria provided, single submitter. Criteria: ARUP Molecular Germline Variant Investigation Process 2024. Collection method: clinical testing. Allele origin: germline.

Blueprint Genetics
Classification: Likely benign. Last evaluated: 2024-11-27. Review status: criteria provided, single submitter. Criteria: ACMG Guidelines, 2015. Collection method: clinical testing. Allele origin: germline.

Genome Diagnostics Laboratory, The Hospital for Sick Children
Classification: Benign for Ehlers-Danlos syndrome. Last evaluated: 2022-07-16. Review status: criteria provided, single submitter. Criteria: ACMG Guidelines, 2015. Collection method: clinical testing. Allele origin: germline.

Genome-Nilou Lab
Classification: Benign for Ehlers-Danlos syndrome, classic type, 1. Last evaluated: 2022-03-15. Review status: criteria provided, single submitter. Criteria: ACMG Guidelines, 2015. Collection method: clinical testing. Allele origin: germline. Affected: no.

Genome-Nilou Lab
Classification: Benign for Fibromuscular dysplasia, multifocal. Last evaluated: 2022-03-15. Review status: criteria provided, single submitter. Criteria: ACMG Guidelines, 2015. Collection method: clinical testing. Allele origin: germline. Affected: no.

Illumina Laboratory Services, Illumina
Classification: Benign for Ehlers-Danlos syndrome, classic type, 1. Last evaluated: 2018-01-13. Review status: criteria provided, single submitter. Criteria: ICSL Variant Classification Criteria 13 December 2019. Collection method: clinical testing. Allele origin: germline.
Comment: This variant was observed in the ICSL laboratory as part of a predisposition screen in an ostensibly healthy population. It had not been previously curated by ICSL or reported in the Human Gene Mutation Database (HGMD: prior to June 1st, 2018), and was therefore a candidate for classification through an automated scoring system. Utilizing variant allele frequency, disease prevalence and penetrance estimates, and inheritance mode, an automated score was calculated to assess if this variant is too frequent to cause the disease. Based on the score and internal cut-off values, a variant classified as benign is not then subjected to further curation. The score for this variant resulted in a classification of benign for this disease.

Mayo Clinic Laboratories, Mayo Clinic
Classification: Benign. Last evaluated: 2017-11-29. Review status: criteria provided, single submitter. Criteria: ACMG Guidelines, 2015. Collection method: clinical testing. Allele origin: germline. Observed: 35 variant alleles.

Women's Health and Genetics/Laboratory Corporation of America, LabCorp
Classification: Benign. Last evaluated: 2017-03-15. Review status: criteria provided, single submitter. Criteria: LabCorp Variant Classification Summary - May 2015. Collection method: clinical testing. Allele origin: germline.
Comment: Variant summary: The COL5A1 c.5270C>T (p.Thr1757Met) variant causes a missense change involving the alteration of a non-conserved nucleotide. 4/5 in silico tools predict a damaging outcome for this variant. This variant was found in 1444/119592 control chromosomes (24 homozygotes) at a frequency of 0.0120744, which is approximately 9660 times the estimated maximal expected allele frequency of a pathogenic COL5A1 variant (0.0000013), suggesting this variant is likely a benign polymorphism. In addition, multiple clinical diagnostic laboratories/reputable databases classified this variant as benign/likely benign. Taken together, based on the prevalence in general population this variant is classified as benign.

Ambry Genetics
Classification: Benign for Familial thoracic aortic aneurysm and aortic dissection. Last evaluated: 2015-06-23. Review status: criteria provided, single submitter. Criteria: Ambry Variant Classification Scheme 2023. Collection method: clinical testing. Allele origin: germline.

GeneDx
Classification: Benign. Last evaluated: 2013-01-23. Review status: criteria provided, single submitter. Criteria: GeneDx Variant Classification (06012015). Collection method: clinical testing. Allele origin: germline. Affected: yes.
Comment: This variant is considered likely benign or benign based on one or more of the following criteria: it is a conservative change, it occurs at a poorly conserved position in the protein, it is predicted to be benign by multiple in silico algorithms, and/or has population frequency not consistent with disease.

Breakthrough Genomics
Classification: Likely benign. Review status: criteria provided, single submitter. Criteria: ACMG Guidelines, 2015. Collection method: not provided. Allele origin: germline. Inheritance: Autosomal dominant inheritance. Affected: yes.

PreventionGenetics, part of Exact Sciences
Classification: Benign. Review status: criteria provided, single submitter. Criteria: ACMG Guidelines, 2015. Collection method: clinical testing. Allele origin: germline.

Clinical Genetics DNA and cytogenetics Diagnostics Lab, Erasmus MC, Erasmus Medical Center
Classification: Benign. Review status: no assertion criteria provided. Collection method: clinical testing. Allele origin: germline. Affected: yes. Study: VKGL Data-share Consensus. Not counted in ClinVar's aggregate classification.

Genome Diagnostics Laboratory, Amsterdam University Medical Center
Classification: Benign. Review status: no assertion criteria provided. Collection method: clinical testing. Allele origin: germline. Affected: yes. Study: VKGL Data-share Consensus. Not counted in ClinVar's aggregate classification.

Genome Diagnostics Laboratory, University Medical Center Utrecht
Classification: Benign. Review status: no assertion criteria provided. Collection method: clinical testing. Allele origin: germline. Affected: yes. Study: VKGL Data-share Consensus. Not counted in ClinVar's aggregate classification.

NM_000093.5(COL5A1):c.5270C>T (p.Thr1757Met)

Genes: COL5A1 (collagen type V alpha 1 chain; plus strand), LOC101448202 (uncharacterized LOC101448202; minus strand). Cytogenetic location: 9q34.3.
Variant type: single nucleotide variant.
Coding change: c.5270C>T on transcript NM_000093.5 (MANE Select); coding-DNA position 5270, C replaced by T.
Protein change: p.Thr1757Met; replaces threonine 1757 with methionine.
Molecular consequence: missense variant.
Genome position (GRCh38, 1-based): chr9:134,835,104, C>T. VCF-style: chr9-134835104-C-T. GRCh37 (hg19) VCF-style: chr9-137726950-C-T.
Other names: p.T1757M:ACG>ATG; c.5270C>T, p.Thr1757Met (NM_001278074.1); short protein forms T1757M.
Identifiers: ClinVar variation 136914 (VCV000136914.43), dbSNP rs2229817, ClinGen allele CA290320.